The following is an entry in ClinVar:

NM_022124.6(CDH23):c.1134+13A>G

Gene: CDH23 (cadherin related 23; plus strand). Cytogenetic location: 10q22.1.
Variant type: single nucleotide variant.
Coding change: c.1134+13A>G on transcript NM_022124.6 (MANE Select); 13 bases into the intron after coding-DNA position 1134, A replaced by G.
Molecular consequence: intron variant. On other transcripts: missense variant (1).
Genome position (GRCh38, 1-based): chr10:71,617,406, A>G. VCF-style: chr10-71617406-A-G. GRCh37 (hg19) VCF-style: chr10-73377163-A-G.
Other names: c.1147A>G, p.Thr383Ala (NM_001171932.2); c.1134+13A>G (NM_001171930.2, NM_001171931.2, NM_052836.4); short protein forms T383A.
Identifiers: ClinVar variation 44115 (VCV000044115.18), dbSNP rs7903502, ClinGen allele CA133610.

ClinVar aggregate classification (germline): Benign/Likely benign. Review status: criteria provided, multiple submitters, no conflicts (2 of 4 stars). 7 submissions from 6 submitters: Benign (5); Likely benign (2). Last evaluated 2026-02-02.

Conditions:
Autosomal recessive nonsyndromic hearing loss 12. Also called: DEAFNESS, AUTOSOMAL RECESSIVE 12. Identifiers: Orphanet 90636, MedGen C1832394, MONDO:0011067, OMIM 601386.
Usher syndrome type 1D (USH1D). Also called: USHER SYNDROME, TYPE ID. Identifiers: Orphanet 231169, Orphanet 886, MedGen C1832845, MONDO:0010984, OMIM 601067.

Allele frequency attached by ClinVar (database versions not stated): ESP Exome Variant Server 0.02065; gnomAD 0.02069 and 0.02225; 1000 Genomes Project 0.02177; TOPMed 0.02312; 1000 Genomes Project 30x 0.02374; gnomAD exomes 0.00191 and 0.00501; ExAC 0.00664.
gnomAD v4.1: 6,044 of 1,611,990 alleles (0.37%); highest among the groups gnomAD compares: African/African-American, 7.1%; 189 homozygotes.

Submissions (7):

Labcorp Genetics (formerly Invitae), Labcorp
Classification: Benign. Last evaluated: 2026-02-02. Review status: criteria provided, single submitter. Criteria: Invitae Variant Classification Sherloc (09022015). Collection method: clinical testing. Allele origin: germline.

GeneDx
Classification: Benign. Last evaluated: 2019-01-30. Review status: criteria provided, single submitter. Criteria: GeneDx Variant Classification Process June 2021. Collection method: clinical testing. Allele origin: germline. Affected: yes.

Athena Diagnostics
Classification: Benign. Last evaluated: 2018-11-12. Review status: criteria provided, single submitter. Criteria: Athena Diagnostics Criteria. Collection method: clinical testing. Allele origin: germline.

Illumina Laboratory Services, Illumina
Classification: Likely benign for Autosomal recessive nonsyndromic hearing loss 12. Last evaluated: 2018-01-13. Review status: criteria provided, single submitter. Criteria: ICSL Variant Classification Criteria 13 December 2019. Collection method: clinical testing. Allele origin: germline.
Comment: This variant was observed in the ICSL laboratory as part of a predisposition screen in an ostensibly healthy population. It had not been previously curated by ICSL or reported in the Human Gene Mutation Database (HGMD: prior to June 1st, 2018), and was therefore a candidate for classification through an automated scoring system. Utilizing variant allele frequency, disease prevalence and penetrance estimates, and inheritance mode, an automated score was calculated to assess if this variant is too frequent to cause the disease. Based on the score and internal cut-off values, a variant classified as likely benign is not then subjected to further curation. The score for this variant resulted in a classification of likely benign for this disease.

Illumina Laboratory Services, Illumina
Classification: Benign for Usher syndrome type 1D. Last evaluated: 2018-01-13. Review status: criteria provided, single submitter. Criteria: ICSL Variant Classification Criteria 13 December 2019. Collection method: clinical testing. Allele origin: germline.
Comment: This variant was observed in the ICSL laboratory as part of a predisposition screen in an ostensibly healthy population. It had not been previously curated by ICSL or reported in the Human Gene Mutation Database (HGMD: prior to June 1st, 2018), and was therefore a candidate for classification through an automated scoring system. Utilizing variant allele frequency, disease prevalence and penetrance estimates, and inheritance mode, an automated score was calculated to assess if this variant is too frequent to cause the disease. Based on the score and internal cut-off values, a variant classified as benign is not then subjected to further curation. The score for this variant resulted in a classification of benign for this disease.

Laboratory for Molecular Medicine, Mass General Brigham Personalized Medicine
Classification: Benign. Last evaluated: 2012-05-07. Review status: criteria provided, single submitter. Criteria: LMM Criteria. Collection method: clinical testing. Allele origin: germline. Observed: 19 variant alleles.
Comment: Thr383Ala in Exon 11 of CDH23: This variant is not expected to have clinical sig nificance because it has been identified in 5.9% (214/3614) of African American chromosomes from a broad population by the NHLBI Exome Sequencing Project (dbSNP rs7903502).

Breakthrough Genomics
Classification: Likely benign. Review status: criteria provided, single submitter. Criteria: ACMG Guidelines, 2015. Collection method: not provided. Allele origin: germline. Inheritance: Autosomal recessive inheritance. Affected: yes.